The following is an entry in ClinVar:

NM_000551.4(VHL):c.291_302del (p.Tyr98_Leu101del)

Gene: VHL (von Hippel-Lindau tumor suppressor; plus strand). Cytogenetic location: 3p25.3.
Variant type: Deletion.
Coding change: c.291_302del on transcript NM_000551.4 (MANE Select); coding-DNA positions 291 to 302, 12 bases deleted (CTACCCAACGCT).
Protein change: p.Tyr98_Leu101del.
Molecular consequence: inframe deletion.
Genome position (GRCh38, 1-based): chr3:10,142,138-10,142,149, CTACCCAACGCT deleted. VCF-style (leftmost placement, unchanged base first): chr3-10142137-CCTACCCAACGCT-C. GRCh37 (hg19) VCF-style: chr3-10183821-CCTACCCAACGCT-C.
Other names: c.291_302delCTACCCAACGCT (NM_000551.3); c.291_302del, p.Tyr98_Leu101del (NM_001354723.2, NM_198156.3).
Identifiers: ClinVar variation 656391 (VCV000656391.11), dbSNP rs1575922296, ClinGen allele CA915941836.
Genomic context (GRCh38, chr3:10,142,137, plus strand): 5'-GCAATCGCAGTCCGCGCGTCGTGCTGCCCGTATGGCTCAACTTCGACGGCGAGCCGCAGC[CCTACCCAACGCT>C]GCCGCCTGGCACGGGCCGCCGCATCCACAGCTACCGAGGTACGGGCCCGGCGCTTAGGCC-3'

ClinVar aggregate classification (germline): Pathogenic (1 of 4 stars; one submission).

Conditions:
Chuvash polycythemia. Also called: POLYCYTHEMIA, VHL-DEPENDENT. Identifiers: Orphanet 238557, MedGen C1837915, MONDO:0009892, OMIM 263400.
Von Hippel-Lindau syndrome (VHLS). Also called: von Hippel–Lindau syndrome; VHL syndrome; Von Hippel-Lindau. Identifiers: Orphanet 892, MedGen C0019562, MONDO:0008667, OMIM 193300. Disease mechanism: loss of function.

Submission:

Labcorp Genetics (formerly Invitae), Labcorp
Classification: Pathogenic for Von Hippel-Lindau syndrome; Chuvash polycythemia. Last evaluated: 2019-04-29. Review status: criteria provided, single submitter. Criteria: Invitae Variant Classification Sherloc (09022015). Collection method: clinical testing. Allele origin: germline.
Comment: For these reasons, this variant has been classified as Pathogenic. Variants that disrupt the p.Tyr98 amino acid residue in VHL have been observed in affected individuals (PMID: 7759077, 7728151, 10408776, 21204227, 19763184, 19336503, 11483638). This suggests that it is a clinically significant residue, and that other variants that disrupt this residue are likely to be causative of disease. This variant is not present in population databases (ExAC no frequency). This variant, c.291_302delCTACCCAACGCT, results in the deletion of 4 amino acids of the VHL protein (p.Tyr98_Leu101del), but otherwise preserves the integrity of the reading frame.

Literature cited by the submitters: PubMed 7759077; PubMed 7728151; PubMed 10408776; PubMed 21204227; PubMed 19763184; PubMed 19336503; PubMed 11483638.